The following is an entry in ClinVar:

ClinVar aggregate classification (germline): Uncertain significance. Review status: criteria provided, multiple submitters, no conflicts (2 of 4 stars). 2 submissions from 2 submitters: Uncertain significance (2). Last evaluated 2024-01-09.

Conditions:
Gastrointestinal stromal tumor. Also called: Gastrointestinal stroma tumor; Gastrointestinal stromal tumor, somatic. Identifiers: Orphanet 44890, MedGen C0238198, MeSH D046152, MONDO:0011719, OMIM 606764, HP:0100723.
Hereditary cancer-predisposing syndrome. Also called: Hereditary Cancer Syndrome; Hereditary neoplastic syndrome; Neoplastic Syndromes, Hereditary; Tumor predisposition. Identifiers: Orphanet 140162, MedGen C0027672, MeSH D009386, MONDO:0015356.

gnomAD v4.1: 1 of 1,614,180 alleles (0.000062%); highest among the groups gnomAD compares: Admixed American, 0.0017%; no homozygotes.

Submissions (2):

Ambry Genetics
Classification: Uncertain significance for Hereditary cancer-predisposing syndrome. Last evaluated: 2024-01-09. Review status: criteria provided, single submitter. Criteria: Ambry Variant Classification Scheme 2023. Collection method: clinical testing. Allele origin: germline.
Comment: The p.S28A variant (also known as c.82T>G), located in coding exon 2 of the KIT gene, results from a T to G substitution at nucleotide position 82. The serine at codon 28 is replaced by alanine, an amino acid with similar properties. This amino acid position is conserved. In addition, this alteration is predicted to be tolerated by in silico analysis. Since supporting evidence is limited at this time, the clinical significance of this alteration remains unclear.

Labcorp Genetics (formerly Invitae), Labcorp
Classification: Uncertain significance for Gastrointestinal stromal tumor. Last evaluated: 2022-07-13. Review status: criteria provided, single submitter. Criteria: Invitae Variant Classification Sherloc (09022015). Collection method: clinical testing. Allele origin: germline.
Comment: In summary, the available evidence is currently insufficient to determine the role of this variant in disease. Therefore, it has been classified as a Variant of Uncertain Significance. Algorithms developed to predict the effect of missense changes on protein structure and function (SIFT, PolyPhen-2, Align-GVGD) all suggest that this variant is likely to be tolerated. This variant has not been reported in the literature in individuals affected with KIT-related conditions. This variant is present in population databases (no rsID available, gnomAD 0.003%). This sequence change replaces serine, which is neutral and polar, with alanine, which is neutral and non-polar, at codon 28 of the KIT protein (p.Ser28Ala).

NM_000222.3(KIT):c.82T>G (p.Ser28Ala)

Gene: KIT (KIT proto-oncogene, receptor tyrosine kinase; plus strand). Cytogenetic location: 4q12.
Variant type: single nucleotide variant.
Coding change: c.82T>G on transcript NM_000222.3 (MANE Select); coding-DNA position 82, T replaced by G.
Protein change: p.Ser28Ala; replaces serine 28 with alanine.
Molecular consequence: missense variant.
Genome position (GRCh38, 1-based): chr4:54,695,526, T>G. VCF-style: chr4-54695526-T-G. GRCh37 (hg19) VCF-style: chr4-55561692-T-G.
Other names: c.82T>G, p.Ser28Ala (NM_001093772.2, NM_001385284.1, NM_001385285.1 and 4 more transcripts); short protein forms S28A.
Identifiers: ClinVar variation 2144793 (VCV002144793.5), dbSNP rs1330171716, ClinGen allele CA356896808.